The following is an entry in ClinVar:

NM_001323289.2(CDKL5):c.2152+1G>T

Gene: CDKL5 (cyclin dependent kinase like 5; plus strand). Cytogenetic location: Xp22.13.
Variant type: single nucleotide variant.
Coding change: c.2152+1G>T on transcript NM_001323289.2 (MANE Select); the canonical splice donor site of the intron after coding-DNA position 2152, G replaced by T.
Molecular consequence: splice donor variant.
Genome position (GRCh38, 1-based): chrX:18,609,571, G>T. VCF-style: chrX-18609571-G-T. GRCh37 (hg19) VCF-style: chrX-18627691-G-T.
Other names: c.2152+1G>T (NM_003159.3, NM_001037343.2).
Identifiers: ClinVar variation 2925659 (VCV002925659.3), dbSNP rs1555952732, ClinGen allele CA412366770.
Genomic context (GRCh38, chrX:18,609,571, plus strand): 5'-AAGAAAATAGACACCTATACAATGATCCTGTGCCAAGGAGAGTTGGTAGCTTTTACAGAG[G>T]TAAGCCCACCCCCGGCATTCAACAGGTTCCCCTCTCCTCCCTCTCTCACTTTATGTGCAC-3'

ClinVar aggregate classification (germline): Pathogenic (1 of 4 stars; one submission).

Conditions:
Developmental and epileptic encephalopathy, 2 (DEE2). Also called: INFANTILE SPASM SYNDROME, X-LINKED 2; CDKL5 deficiency disorder. Identifiers: Orphanet 1934, Orphanet 3451, Orphanet 505652, MedGen C4750718, MONDO:0010396, OMIM 300672.
Angelman syndrome-like. Identifiers: MedGen CN128785.

Submission:

Labcorp Genetics (formerly Invitae), Labcorp
Classification: Pathogenic for Developmental and epileptic encephalopathy, 2; Angelman syndrome-like. Last evaluated: 2022-11-02. Review status: criteria provided, single submitter. Criteria: Invitae Variant Classification Sherloc (09022015). Collection method: clinical testing. Allele origin: germline.
Comment: For these reasons, this variant has been classified as Pathogenic. Algorithms developed to predict the effect of sequence changes on RNA splicing suggest that this variant may disrupt the consensus splice site. Disruption of this splice site has been observed in individual(s) with early infantile epileptic encephalopathy (PMID: 27599155, 27781031). In at least one individual the variant was observed to be de novo. This variant is not present in population databases (gnomAD no frequency). This sequence change affects a donor splice site in intron 14 of the CDKL5 gene. It is expected to disrupt RNA splicing. Variants that disrupt the donor or acceptor splice site typically lead to a loss of protein function (PMID: 16199547), and loss-of-function variants in CDKL5 are known to be pathogenic (PMID: 22872100).

Literature cited by the submitters: PubMed 27599155; PubMed 27781031; PubMed 16199547; PubMed 22872100.